The following is an entry in ClinVar:

ClinVar aggregate classification (germline): Uncertain significance (1 of 4 stars; one submission).

Conditions:
MYO6-related disorder. Also called: MYO6-related disorders; MYO6-related condition.

Submission:

PreventionGenetics, part of Exact Sciences
Classification: Uncertain significance for MYO6-related condition. Last evaluated: 2025-04-10. Review status: criteria provided, single submitter. Criteria: ACMG Guidelines, 2015. Collection method: clinical testing. Allele origin: germline.
Comment: The MYO6 c.3820A>G variant is predicted to result in the amino acid substitution p.Thr1274Ala. To our knowledge, this variant has not been reported in the literature or in a large population database (gnomAD), indicating this variant is rare. At this time, the clinical significance of this variant is uncertain due to the absence of conclusive functional and genetic evidence.

NM_004999.4(MYO6):c.3820A>G (p.Thr1274Ala)

Gene: MYO6 (myosin VI; plus strand). Cytogenetic location: 6q14.1.
Variant type: single nucleotide variant.
Coding change: c.3820A>G on transcript NM_004999.4 (MANE Select); coding-DNA position 3820, A replaced by G.
Protein change: p.Thr1274Ala; replaces threonine 1274 with alanine.
Molecular consequence: missense variant. On other transcripts: non-coding transcript variant (1).
Genome position (GRCh38, 1-based): chr6:75,914,974, A>G. VCF-style: chr6-75914974-A-G. GRCh37 (hg19) VCF-style: chr6-76624691-A-G.
Other names: c.3751A>G, p.Thr1251Ala (NM_001300899.2); c.3724A>G, p.Thr1242Ala (NM_001368136.1); c.3781A>G, p.Thr1261Ala (NM_001368137.1); c.3736A>G, p.Thr1246Ala (NM_001368138.1); c.3847A>G, p.Thr1283Ala (NM_001368865.1); c.3820A>G, p.Thr1274Ala (NM_001368866.1); short protein forms T1261A, T1283A, T1246A, T1242A, T1251A, T1274A.
Identifiers: ClinVar variation 4999114 (VCV004999114.1).